The following is an entry in ClinVar:

NM_005666.4(CFHR2):c.656T>C (p.Ile219Thr)

Gene: CFHR2 (complement factor H related 2; plus strand). Cytogenetic location: 1q31.3.
Variant type: single nucleotide variant.
Coding change: c.656T>C on transcript NM_005666.4 (MANE Select); coding-DNA position 656, T replaced by C.
Protein change: p.Ile219Thr; replaces isoleucine 219 with threonine.
Molecular consequence: missense variant.
Genome position (GRCh38, 1-based): chr1:196,958,923, T>C. VCF-style: chr1-196958923-T-C. GRCh37 (hg19) VCF-style: chr1-196928053-T-C.
Other names: p.Ile219Thr; c.284T>C, p.Ile95Thr (NM_001312672.1); c.461T>C, p.Ile154Thr (NM_001410924.1); short protein forms I95T, I154T, I219T.
Identifiers: ClinVar variation 4542105 (VCV004542105.1).

ClinVar aggregate classification (germline): Uncertain significance (1 of 4 stars; one submission).

Submission:

Mayo Clinic Laboratories, Mayo Clinic
Classification: Uncertain significance. Last evaluated: 2025-12-17. Review status: criteria provided, single submitter. Criteria: ACMG Guidelines, 2015. Collection method: clinical testing. Allele origin: germline. Observed: 1 variant allele.
Comment: PM2_supporting